The following is an entry in ClinVar:

ClinVar aggregate classification (germline): Uncertain significance (1 of 4 stars; one submission).

Conditions:
Dilated cardiomyopathy 1JJ (CMD1JJ). Identifiers: Orphanet 154, MedGen C3808935, MONDO:0014095, OMIM 615235.

Submission:

Labcorp Genetics (formerly Invitae), Labcorp
Classification: Uncertain significance for Dilated cardiomyopathy 1JJ. Last evaluated: 2023-07-19. Review status: criteria provided, single submitter. Criteria: Invitae Variant Classification Sherloc (09022015). Collection method: clinical testing. Allele origin: germline.
Comment: This sequence change replaces leucine, which is neutral and non-polar, with phenylalanine, which is neutral and non-polar, at codon 1115 of the LAMA4 protein (p.Leu1115Phe). This variant is not present in population databases (gnomAD no frequency). This variant has not been reported in the literature in individuals affected with LAMA4-related conditions. An algorithm developed to predict the effect of missense changes on protein structure and function (PolyPhen-2) suggests that this variant is likely to be tolerated. In summary, the available evidence is currently insufficient to determine the role of this variant in disease. Therefore, it has been classified as a Variant of Uncertain Significance.

NM_001105206.3(LAMA4):c.3364C>T (p.Leu1122Phe)

Gene: LAMA4 (laminin subunit alpha 4; minus strand). Cytogenetic location: 6q21.
Variant type: single nucleotide variant.
Coding change: c.3364C>T on transcript NM_001105206.3 (MANE Select); coding-DNA position 3364, C replaced by T.
Protein change: p.Leu1122Phe; replaces leucine 1122 with phenylalanine.
Molecular consequence: missense variant.
Genome position (GRCh38, 1-based): chr6:112,136,173, G>A on the plus strand (C>T on the coding strand, the complement: LAMA4 is on the minus strand). VCF-style: chr6-112136173-G-A. GRCh37 (hg19) VCF-style: chr6-112457375-G-A.
Other names: c.3343C>T, p.Leu1115Phe (NM_001105207.3, NM_002290.5); short protein forms L1115F, L1122F.
Identifiers: ClinVar variation 2984808 (VCV002984808.3), dbSNP rs2547012495, ClinGen allele CA365377481.